The following is an entry in ClinVar:

NM_001083961.2(WDR62):c.2594del (p.Ala865fs)

Gene: WDR62 (WD repeat domain 62; plus strand). Cytogenetic location: 19q13.12.
Variant type: Deletion.
Coding change: c.2594del on transcript NM_001083961.2 (MANE Select); coding-DNA position 2594, one base deleted (C; older notation c.2594delC).
Protein change: p.Ala865fs; shifts the reading frame from alanine 865.
Molecular consequence: frameshift variant.
Genome position (GRCh38, 1-based): chr19:36,099,472, C deleted. VCF-style (leftmost placement, unchanged base first): chr19-36099471-GC-G. GRCh37 (hg19) VCF-style: chr19-36590373-GC-G.
Other names: c.2579del, p.Ala860fs (NM_001411145.1); c.2594del, p.Ala865fs (NM_001411146.1, NM_173636.5); c.2243del, p.Ala748fs (NM_001411147.1); short protein forms A748fs, A860fs, A865fs.
Identifiers: ClinVar variation 4856083 (VCV004856083.1).

ClinVar aggregate classification (germline): Likely pathogenic (1 of 4 stars; one submission).

Conditions:
Microcephaly 2, primary, autosomal recessive, with or without cortical malformations. Also called: WDR62 Primary Microcephaly; MICROCEPHALY 2, PRIMARY, AUTOSOMAL RECESSIVE, WITH CORTICAL MALFORMATIONS. Identifiers: Orphanet 2512, MedGen C1858535, MONDO:0011435, OMIM 604317.

Submission:

3billion
Classification: Likely pathogenic for Microcephaly 2, primary, autosomal recessive, with or without cortical malformations. Last evaluated: 2025-11-03. Review status: criteria provided, single submitter. Criteria: ACMG Guidelines, 2015. Collection method: clinical testing. Allele origin: germline. Affected: yes.
Comment: The variant is not observed in the gnomAD v4.1.0 dataset. Predicted Consequence/Location: Frameshift: predicted to result in a loss or disruption of normal protein function through nonsense-mediated decay (NMD) or protein truncation. Multiple pathogenic variants are reported downstream of the variant. Therefore, this variant is classified as Likely pathogenic according to the recommendation of ACMG/AMP guideline.